The following is an entry in ClinVar:

NM_001395159.1(UNC79):c.2943T>C (p.Ile981=)

Gene: UNC79 (unc-79 subunit of NALCN channel complex; plus strand). Cytogenetic location: 14q32.12.
Variant type: single nucleotide variant.
Coding change: c.2943T>C on transcript NM_001395159.1 (MANE Select); coding-DNA position 2943, T replaced by C.
Protein change: p.Ile981=; no amino-acid change (isoleucine 981 retained).
Molecular consequence: synonymous variant.
Genome position (GRCh38, 1-based): chr14:93,586,819, T>C. VCF-style: chr14-93586819-T-C. GRCh37 (hg19) VCF-style: chr14-94053165-T-C.
Other names: c.2943T>C, p.Ile981= (NM_001346218.2); c.2412T>C, p.Ile804= (NM_020818.5).
Identifiers: ClinVar variation 4981878 (VCV004981878.1).

ClinVar aggregate classification (germline): Likely benign (1 of 4 stars; one submission).

Conditions:
UNC79-related disorder. Also called: UNC79-related condition.

gnomAD v4.1: 412 of 1,614,106 alleles (0.026%); highest among the groups gnomAD compares: African/African-American, 0.42%; 4 homozygotes.

Submission:

PreventionGenetics, part of Exact Sciences
Classification: Likely benign for UNC79-related condition. Last evaluated: 2024-10-08. Review status: criteria provided, single submitter. Criteria: ACMG Guidelines, 2015. Collection method: clinical testing. Allele origin: germline.
Comment: This variant is classified as likely benign based on ACMG/AMP sequence variant interpretation guidelines (Richards et al. 2015 PMID: 25741868, with internal and published modifications).